The following is an entry in ClinVar:

NM_130384.3(ATRIP):c.970G>A (p.Gly324Arg)

Genes: ATRIP (ATR interacting protein; plus strand), ATRIP-TREX1 (ATRIP-TREX1 readthrough; plus strand). Cytogenetic location: 3p21.31.
Variant type: single nucleotide variant.
Coding change: c.970G>A on transcript NM_130384.3 (MANE Select); coding-DNA position 970, G replaced by A.
Protein change: p.Gly324Arg; replaces glycine 324 with arginine.
Molecular consequence: missense variant. On other transcripts: non-coding transcript variant (1).
Genome position (GRCh38, 1-based): chr3:48,459,831, G>A. VCF-style: chr3-48459831-G-A. GRCh37 (hg19) VCF-style: chr3-48501230-G-A.
Other names: c.589G>A, p.Gly197Arg (NM_001271022.2); c.691G>A, p.Gly231Arg (NM_001271023.2); c.970G>A, p.Gly324Arg (NM_032166.4); short protein forms G324R, G197R, G231R.
Identifiers: ClinVar variation 3810558 (VCV003810558.1).
Genomic context (GRCh38, chr3:48,459,831, plus strand): 5'-ATCTTGTCTTCTGCAGGTTCCATTTTGATAAACCTGCTCCTGAAGCAGCCTTTGATCCCA[G>A]GGTCATCCCTAAGCCTTTGCCACCTCCTGAGTAGTAGTTCTGAGTCTCCTGCTGGCACCC-3'
Protein context (NP_569055.1, residues 314-334): NLLLKQPLIP[Gly324Arg]SSLSLCHLLS

ClinVar aggregate classification (germline): Uncertain significance (1 of 4 stars; one submission).

Submission:

Ambry Genetics
Classification: Uncertain significance. Last evaluated: 2025-02-07. Review status: criteria provided, single submitter. Criteria: Ambry Variant Classification Scheme 2023. Collection method: clinical testing. Allele origin: germline.
Comment: The p.G324R variant (also known as c.970G>A), located in coding exon 7 of the ATRIP gene, results from a G to A substitution at nucleotide position 970. The glycine at codon 324 is replaced by arginine, an amino acid with dissimilar properties. This amino acid position is conserved. In addition, the in silico prediction for this alteration is inconclusive. Based on the available evidence, the clinical significance of this variant remains unclear.